The following is an entry in ClinVar:

ClinVar aggregate classification (germline): Uncertain significance (1 of 4 stars; one submission).

Conditions:
Nance-Horan syndrome (NHS). Identifiers: Orphanet 627, MedGen C0796085, MONDO:0010545, OMIM 302350.

Submission:

Labcorp Genetics (formerly Invitae), Labcorp
Classification: Uncertain significance for Nance-Horan syndrome. Last evaluated: 2025-08-07. Review status: criteria provided, single submitter. Criteria: Invitae Variant Classification Sherloc (09022015). Collection method: clinical testing. Allele origin: germline.
Comment: This sequence change replaces histidine, which is basic and polar, with arginine, which is basic and polar, at codon 286 of the NHS protein (p.His286Arg). This variant is not present in population databases (gnomAD no frequency). This variant has not been reported in the literature in individuals affected with NHS-related conditions. Invitae Evidence Modeling of protein sequence and biophysical properties (such as structural, functional, and spatial information, amino acid conservation, physicochemical variation, residue mobility, and thermodynamic stability) has been performed for this missense variant. However, the output from this modeling did not meet the statistical confidence thresholds required to predict the impact of this variant on NHS protein function. In summary, the available evidence is currently insufficient to determine the role of this variant in disease. Therefore, it has been classified as a Variant of Uncertain Significance.

NM_001291867.2(NHS):c.920A>G (p.His307Arg)

Gene: NHS (NHS actin remodeling regulator; plus strand). Cytogenetic location: Xp22.13.
Variant type: single nucleotide variant.
Coding change: c.920A>G on transcript NM_001291867.2 (MANE Select); coding-DNA position 920, A replaced by G.
Protein change: p.His307Arg; replaces histidine 307 with arginine.
Molecular consequence: missense variant.
Genome position (GRCh38, 1-based): chrX:17,721,445, A>G. VCF-style: chrX-17721445-A-G. GRCh37 (hg19) VCF-style: chrX-17739565-A-G.
Other names: c.389A>G, p.His130Arg (NM_001136024.4); c.326A>G, p.His109Arg (NM_001291868.2); c.581A>G, p.His194Arg (NM_001440780.1); c.857A>G, p.His286Arg (NM_198270.4); short protein forms H286R, H307R, H109R, H194R, H130R.
Identifiers: ClinVar variation 4739051 (VCV004739051.1).